The following is an entry in ClinVar:

NM_000166.6(GJB1):c.643C>T (p.Arg215Trp)

Gene: GJB1 (gap junction protein beta 1; plus strand). Cytogenetic location: Xq13.1.
Variant type: single nucleotide variant.
Coding change: c.643C>T on transcript NM_000166.6 (MANE Select); coding-DNA position 643, C replaced by T.
Protein change: p.Arg215Trp; replaces arginine 215 with tryptophan.
Molecular consequence: missense variant.
Genome position (GRCh38, 1-based): chrX:71,224,350, C>T. VCF-style: chrX-71224350-C-T. GRCh37 (hg19) VCF-style: chrX-70444200-C-T.
Other names: c.643C>T, p.Arg215Trp (NM_001097642.3); short protein forms R215W.
Identifiers: ClinVar variation 246098 (VCV000246098.16), dbSNP rs879254099, ClinGen allele CA10584644.
Genomic context (GRCh38, chrX:71,224,350, plus strand): 5'-CTAGCTGCCTCTGGCATCTGCATCATCCTCAATGTGGCCGAGGTGGTGTACCTCATCATC[C>T]GGGCCTGTGCCCGCCGAGCCCAGCGCCGCTCCAATCCACCTTCCCGCAAGGGCTCGGGCT-3'
Protein context (NP_000157.1, residues 205-225): NVAEVVYLII[Arg215Trp]ACARRAQRRS

ClinVar aggregate classification (germline): Pathogenic/Likely pathogenic. Review status: criteria provided, multiple submitters, no conflicts (2 of 4 stars). 7 submissions from 7 submitters: Pathogenic (5); Likely pathogenic (1). 1 of the submissions does not count toward it. Last evaluated 2026-01-06.

Conditions:
GJB1-related disorder. Also called: GJB1-related condition; GJB1-related disorders.
Charcot-Marie-Tooth Neuropathy X. Identifiers: MedGen CN118851.
Charcot-Marie-Tooth disease. Also called: Charcot-Marie-Tooth Neuropathy; Charcot-Marie-Tooth Hereditary Neuropathy. Identifiers: Orphanet 166, MedGen C0007959, MONDO:0015626.
Charcot-Marie-Tooth disease X-linked dominant 1. Also called: HEREDITARY MOTOR AND SENSORY NEUROPATHY, X-LINKED; HMSN, X-LINKED; Charcot-Marie-Tooth Neuropathy X Type 1; X-linked Charcot-Marie-Tooth disease type 1; GJB1 Disorders: Charcot-Marie-Tooth Neuropathy (CMT1X) and Central Nervous System Phenotypes; CHARCOT-MARIE-TOOTH NEUROPATHY, X-LINKED, 1. Identifiers: Orphanet 101075, MedGen C0393808, MONDO:0010549, OMIM 302800.

Submissions (7):

Labcorp Genetics (formerly Invitae), Labcorp
Classification: Pathogenic for Charcot-Marie-Tooth Neuropathy X. Last evaluated: 2026-01-06. Review status: criteria provided, single submitter. Criteria: Invitae Variant Classification Sherloc (09022015). Collection method: clinical testing. Allele origin: germline.
Comment: This sequence change replaces arginine, which is basic and polar, with tryptophan, which is neutral and slightly polar, at codon 215 of the GJB1 protein (p.Arg215Trp). This variant is not present in population databases (gnomAD no frequency). This missense change has been observed in individuals with Charcot-Marie-Tooth disease, type 1X (CMT1X) (PMID: 8162049, 8698335, 9187667, 11437164, 11571214, 11835375, 16912585, 22464564, 25947624, 27098783). It has also been observed to segregate with disease in related individuals. ClinVar contains an entry for this variant (Variation ID: 246098). Invitae Evidence Modeling of protein sequence and biophysical properties (such as structural, functional, and spatial information, amino acid conservation, physicochemical variation, residue mobility, and thermodynamic stability) has been performed for this missense variant. However, the output from this modeling did not meet the statistical confidence thresholds required to predict the impact of this variant on GJB1 protein function. Experimental studies have shown that this missense change affects GJB1 function (PMID: 8816997, 10234007). For these reasons, this variant has been classified as Pathogenic.

GeneDx
Classification: Pathogenic. Last evaluated: 2024-03-26. Review status: criteria provided, single submitter. Criteria: GeneDx Variant Classification Process June 2021. Collection method: clinical testing. Allele origin: germline. Affected: yes.
Comment: Published functional studies demonstrate a damaging effect as R215W prevents the formation of functional channels (PMID: 8816997, 10234007); Not observed at significant frequency in large population cohorts (gnomAD); Missense variants in this gene are a common cause of disease and they are underrepresented in the general population; In silico analysis supports that this missense variant has a deleterious effect on protein structure/function; This variant is associated with the following publications: (PMID: 10234007, 11835375, 8162049, 11571214, 32376792, 34326750, 8816997)

Women's Health and Genetics/Laboratory Corporation of America, LabCorp
Classification: Pathogenic for Charcot-Marie-Tooth disease X-linked dominant 1. Last evaluated: 2023-11-27. Review status: criteria provided, single submitter. Criteria: LabCorp Variant Classification Summary - May 2015. Collection method: clinical testing. Allele origin: germline.
Comment: Variant summary: GJB1 c.643C>T (p.Arg215Trp) results in a non-conservative amino acid change in the encoded protein sequence. Five of five in-silico tools predict a damaging effect of the variant on protein function. The variant was absent in 179956 control chromosomes. c.643C>T has been reported in the literature in multiple familial individuals affected with Charcot-Marie-Tooth disease X-linked dominant 1 (example, Fairweather_1994, Kovale_2021). These data indicate that the variant is very likely to be associated with disease. At least one publication reports experimental evidence evaluating an impact on protein function. The most pronounced variant effect results in about 20% of normal GJB1 levels, diminished gap junctional intercellular communication, and interfering WT allele of GJB1 through a dominant-negative mechanism in Hela cells (Omori_1996). The following publications have been ascertained in the context of this evaluation (PMID: 8162049, 34326750, 8816997). Four submitters have cited clinical-significance assessments for this variant to ClinVar after 2014. All submitters classified the variant as pathogenic/likely pathogenic. Based on the evidence outlined above, the variant was classified as pathogenic.

Institute of Human Genetics, University of Leipzig Medical Center
Classification: Likely pathogenic for Charcot-Marie-Tooth disease X-linked dominant 1. Last evaluated: 2023-09-25. Review status: criteria provided, single submitter. Criteria: ACMG Guidelines, 2015. Collection method: clinical testing. Allele origin: paternal. Inheritance: X-linked dominant inheritance. Affected: yes.
Comment: Criteria applied: PS4_MOD,PM5,PS3_SUP,PM2_SUP,PP3

Blueprint Genetics
Classification: Pathogenic for GJB1-related disorders. Last evaluated: 2018-11-27. Review status: criteria provided, single submitter. Criteria: ACMG Guidelines, 2015. Collection method: clinical testing. Allele origin: germline. Affected: yes. Observed: 1 variant allele.

Athena Diagnostics
Classification: Pathogenic. Last evaluated: 2016-11-18. Review status: criteria provided, single submitter. Criteria: Athena Diagnostics Criteria. Collection method: clinical testing. Allele origin: germline.

Inherited Neuropathy Consortium
Classification: Uncertain significance for Charcot-Marie-Tooth disease. Review status: no assertion criteria provided. Collection method: literature only. Allele origin: germline. Affected: yes. Not counted in ClinVar's aggregate classification.

Literature cited by the submitters: PubMed 8162049 (cited by 3 submitters); PubMed 8698335 (cited by Labcorp Genetics (formerly Invitae), Labcorp and Athena Diagnostics); PubMed 9187667 (cited by Labcorp Genetics (formerly Invitae), Labcorp and Athena Diagnostics); PubMed 11437164 (cited by Labcorp Genetics (formerly Invitae), Labcorp and Athena Diagnostics); PubMed 11571214 (cited by Labcorp Genetics (formerly Invitae), Labcorp and Athena Diagnostics); PubMed 11835375 (cited by Labcorp Genetics (formerly Invitae), Labcorp and Athena Diagnostics); PubMed 16912585 (cited by 3 submitters); PubMed 22464564 (cited by Labcorp Genetics (formerly Invitae), Labcorp and Athena Diagnostics); PubMed 25947624 (cited by Labcorp Genetics (formerly Invitae), Labcorp and Athena Diagnostics); PubMed 27098783 (cited by Labcorp Genetics (formerly Invitae), Labcorp); PubMed 8816997 (cited by 3 submitters); PubMed 10234007 (cited by Labcorp Genetics (formerly Invitae), Labcorp and Athena Diagnostics); PubMed 34326750 (cited by Women's Health and Genetics/Laboratory Corporation of America, LabCorp); PubMed 10732813 (cited by Athena Diagnostics); PubMed 8990008 (cited by Athena Diagnostics); PubMed 21291455 (cited by Athena Diagnostics).